The following is an entry in ClinVar:

ClinVar aggregate classification (germline): Uncertain significance (1 of 4 stars; one submission).

Allele frequency attached by ClinVar (database versions not stated): ExAC 0.00001; gnomAD 0.00001 and 0.00002; gnomAD exomes 0.00001; TOPMed 0.00001.
gnomAD v4.1: 10 of 1,613,934 alleles (0.00062%); highest among the groups gnomAD compares: Middle Eastern, 0.016%; no homozygotes.

Submission:

Labcorp Genetics (formerly Invitae), Labcorp
Classification: Uncertain significance. Last evaluated: 2022-11-08. Review status: criteria provided, single submitter. Criteria: Invitae Variant Classification Sherloc (09022015). Collection method: clinical testing. Allele origin: germline.
Comment: This sequence change replaces histidine, which is basic and polar, with arginine, which is basic and polar, at codon 220 of the DNAJC21 protein (p.His220Arg). This variant is present in population databases (rs776498241, gnomAD 0.006%). This variant has not been reported in the literature in individuals affected with DNAJC21-related conditions. ClinVar contains an entry for this variant (Variation ID: 1444439). Algorithms developed to predict the effect of missense changes on protein structure and function are either unavailable or do not agree on the potential impact of this missense change (SIFT: "Tolerated"; PolyPhen-2: "Probably Damaging"; Align-GVGD: "Class C0"). In summary, the available evidence is currently insufficient to determine the role of this variant in disease. Therefore, it has been classified as a Variant of Uncertain Significance.

NM_001012339.3(DNAJC21):c.659A>G (p.His220Arg)

Gene: DNAJC21 (DnaJ heat shock protein family (Hsp40) member C21; plus strand). Cytogenetic location: 5p13.2.
Variant type: single nucleotide variant.
Coding change: c.659A>G on transcript NM_001012339.3 (MANE Select); coding-DNA position 659, A replaced by G.
Protein change: p.His220Arg; replaces histidine 220 with arginine.
Molecular consequence: missense variant.
Genome position (GRCh38, 1-based): chr5:34,937,546, A>G. VCF-style: chr5-34937546-A-G. GRCh37 (hg19) VCF-style: chr5-34937651-A-G.
Other names: c.659A>G, p.His220Arg (NM_001348420.2, NM_194283.4); short protein forms H220R.
Identifiers: ClinVar variation 1444439 (VCV001444439.8), dbSNP rs776498241, ClinGen allele CA3228516.